The following is an entry in ClinVar:

NM_001083619.3(GRIA2):c.802T>G (p.Ser268Ala)

Gene: GRIA2 (glutamate ionotropic receptor AMPA type subunit 2; plus strand). Cytogenetic location: 4q32.1.
Variant type: single nucleotide variant.
Coding change: c.802T>G on transcript NM_001083619.3 (MANE Select); coding-DNA position 802, T replaced by G.
Protein change: p.Ser268Ala; replaces serine 268 with alanine.
Molecular consequence: missense variant.
Genome position (GRCh38, 1-based): chr4:157,321,519, T>G. VCF-style: chr4-157321519-T-G. GRCh37 (hg19) VCF-style: chr4-158242671-T-G.
Other names: c.802T>G, p.Ser268Ala (NM_000826.6); c.661T>G, p.Ser221Ala (NM_001083620.3, NM_001379000.3, NM_001379001.3); short protein forms S221A, S268A.
Identifiers: ClinVar variation 3024812 (VCV003024812.22), dbSNP rs140170280, ClinGen allele CA3120253.

ClinVar aggregate classification (germline): Benign (1 of 4 stars; one submission).

Allele frequency attached by ClinVar (database versions not stated): 1000 Genomes Project 0.00020; 1000 Genomes Project 30x 0.00031; TOPMed 0.00034; gnomAD 0.00063; ESP Exome Variant Server 0.00077; ExAC 0.00084.
gnomAD v4.1: 1,009 of 1,606,312 alleles (0.063%); highest among the groups gnomAD compares: Middle Eastern, 0.25%; no homozygotes.

Submission:

CeGaT Center for Human Genetics Tuebingen
Classification: Benign. Last evaluated: 2026-07-01. Review status: criteria provided, single submitter. Criteria: CeGaT Center For Human Genetics Tuebingen Variant Classification Criteria Version 2. Collection method: clinical testing. Allele origin: germline. Affected: yes. Observed: 6 variant alleles.
Comment: GRIA2: BP4, BS1, BS2